The following is an entry in ClinVar:

NM_001127208.3(TET2):c.2587C>G (p.His863Asp)

Genes: TET2 (tet methylcytosine dioxygenase 2; plus strand), TET2-AS1 (TET2 antisense RNA 1; minus strand). Cytogenetic location: 4q24.
Variant type: single nucleotide variant.
Coding change: c.2587C>G on transcript NM_001127208.3 (MANE Select); coding-DNA position 2587, C replaced by G.
Protein change: p.His863Asp; replaces histidine 863 with aspartic acid.
Molecular consequence: missense variant.
Genome position (GRCh38, 1-based): chr4:105,236,529, C>G. VCF-style: chr4-105236529-C-G. GRCh37 (hg19) VCF-style: chr4-106157686-C-G.
Other names: c.2587C>G, p.His863Asp (NM_017628.4); short protein forms H863D.
Identifiers: ClinVar variation 4827241 (VCV004827241.1).

ClinVar aggregate classification (germline): Uncertain significance (1 of 4 stars; one submission).

Submission:

Ambry Genetics
Classification: Uncertain significance. Last evaluated: 2026-02-23. Review status: criteria provided, single submitter. Criteria: Ambry Variant Classification Scheme 2023. Collection method: clinical testing. Allele origin: germline.
Comment: The p.H863D variant (also known as c.2587C>G), located in coding exon 1 of the TET2 gene, results from a C to G substitution at nucleotide position 2587. The histidine at codon 863 is replaced by aspartic acid, an amino acid with similar properties. This amino acid position is conserved. In addition, this alteration is predicted to be tolerated by in silico analysis. Based on the available evidence, the clinical significance of this variant remains unclear.